The following is an entry in ClinVar:

NM_004260.4(RECQL4):c.1339G>T (p.Asp447Tyr)

Gene: RECQL4 (RecQ like helicase 4; minus strand). Cytogenetic location: 8q24.3.
Variant type: single nucleotide variant.
Coding change: c.1339G>T on transcript NM_004260.4 (MANE Select); coding-DNA position 1339, G replaced by T.
Protein change: p.Asp447Tyr; replaces aspartic acid 447 with tyrosine.
Molecular consequence: missense variant. On other transcripts: 5 prime UTR variant (1), non-coding transcript variant (3).
Genome position (GRCh38, 1-based): chr8:144,515,377, C>A on the plus strand (G>T on the coding strand, the complement: RECQL4 is on the minus strand). VCF-style: chr8-144515377-C-A. GRCh37 (hg19) VCF-style: chr8-145740761-C-A.
Other names: c.1339G>T, p.Asp447Tyr (NM_001413033.1, NM_001413036.1, NM_001413039.1 and 2 more transcripts); c.268G>T, p.Asp90Tyr (NM_001413034.1, NM_001413035.1, NM_001413037.1 and 8 more transcripts); c.202G>T, p.Asp68Tyr (NM_001413041.1, NM_001413027.1, NM_001413030.1 and 2 more transcripts); c.1243G>T, p.Asp415Tyr (NM_001413017.1, NM_001413020.1); c.1210G>T, p.Asp404Tyr (NM_001413025.1); c.988G>T, p.Asp330Tyr (NM_001413029.1); c.-129G>T (NM_001413043.1); short protein forms D415Y, D68Y, D90Y, D330Y, D404Y, D447Y.
Identifiers: ClinVar variation 4152349 (VCV004152349.1).

ClinVar aggregate classification (germline): Uncertain significance (1 of 4 stars; one submission).

Conditions:
Inborn genetic diseases. Identifiers: MedGen C0950123, MeSH D030342.

Submission:

Ambry Genetics
Classification: Uncertain significance for Inborn genetic diseases. Last evaluated: 2025-06-27. Review status: criteria provided, single submitter. Criteria: Ambry Variant Classification Scheme 2023. Collection method: clinical testing. Allele origin: germline.
Comment: The p.D447Y variant (also known as c.1339G>T), located in coding exon 7 of the RECQL4 gene, results from a G to T substitution at nucleotide position 1339. The aspartic acid at codon 447 is replaced by tyrosine, an amino acid with highly dissimilar properties. This amino acid position is conserved. In addition, this alteration is predicted to be tolerated by in silico analysis. Based on the available evidence, the clinical significance of this variant remains unclear.